The following is an entry in ClinVar:

NM_000257.4(MYH7):c.1939G>A (p.Val647Met)

Gene: MYH7 (myosin heavy chain 7; minus strand). Cytogenetic location: 14q11.2.
Variant type: single nucleotide variant.
Coding change: c.1939G>A on transcript NM_000257.4 (MANE Select); coding-DNA position 1939, G replaced by A.
Protein change: p.Val647Met; replaces valine 647 with methionine.
Molecular consequence: missense variant.
Genome position (GRCh38, 1-based): chr14:23,427,257, C>T on the plus strand (G>A on the coding strand, the complement: MYH7 is on the minus strand). VCF-style: chr14-23427257-C-T. GRCh37 (hg19) VCF-style: chr14-23896466-C-T.
Other names: c.1939G>A, p.Val647Met (NM_001407004.1); short protein forms V647M.
Identifiers: ClinVar variation 2860169 (VCV002860169.3), dbSNP rs2502294753, ClinGen allele CA389049491.

ClinVar aggregate classification (germline): Uncertain significance (1 of 4 stars; one submission).

Conditions:
Hypertrophic cardiomyopathy. Also called: HYPERTROPHIC MYOCARDIOPATHY. Identifiers: Orphanet 217569, MedGen C0007194, MeSH D002312, MONDO:0005045, HP:0001639.

Allele frequency attached by ClinVar (database versions not stated): gnomAD exomes below 0.00001.

Submission:

Labcorp Genetics (formerly Invitae), Labcorp
Classification: Uncertain significance for Hypertrophic cardiomyopathy. Last evaluated: 2023-04-28. Review status: criteria provided, single submitter. Criteria: Invitae Variant Classification Sherloc (09022015). Collection method: clinical testing. Allele origin: germline.
Comment: In summary, the available evidence is currently insufficient to determine the role of this variant in disease. Therefore, it has been classified as a Variant of Uncertain Significance. Advanced modeling of protein sequence and biophysical properties (such as structural, functional, and spatial information, amino acid conservation, physicochemical variation, residue mobility, and thermodynamic stability) performed at Invitae indicates that this missense variant is expected to disrupt MYH7 protein function. This variant has not been reported in the literature in individuals affected with MYH7-related conditions. This variant is not present in population databases (gnomAD no frequency). This sequence change replaces valine, which is neutral and non-polar, with methionine, which is neutral and non-polar, at codon 647 of the MYH7 protein (p.Val647Met).